The following is an entry in ClinVar:

ClinVar aggregate classification (germline): Uncertain significance (1 of 4 stars; one submission).

Submission:

Ambry Genetics
Classification: Uncertain significance. Last evaluated: 2025-10-10. Review status: criteria provided, single submitter. Criteria: Ambry Variant Classification Scheme 2023. Collection method: clinical testing. Allele origin: germline.
Comment: The p.I280T variant (also known as c.839T>C), located in coding exon 1 of the EGLN1 gene, results from a T to C substitution at nucleotide position 839. The isoleucine at codon 280 is replaced by threonine, an amino acid with similar properties. This amino acid position is conserved. In addition, this alteration is predicted to be deleterious by in silico analysis. Based on the available evidence, the clinical significance of this variant remains unclear.

NM_022051.3(EGLN1):c.839T>C (p.Ile280Thr)

Genes: EGLN1 (egl-9 family hypoxia inducible factor 1; minus strand), LOC129932769 (ATAC-STARR-seq lymphoblastoid active region 2730; plus strand). Cytogenetic location: 1q42.2.
Variant type: single nucleotide variant.
Coding change: c.839T>C on transcript NM_022051.3 (MANE Select); coding-DNA position 839, T replaced by C.
Protein change: p.Ile280Thr; replaces isoleucine 280 with threonine.
Molecular consequence: missense variant.
Genome position (GRCh38, 1-based): chr1:231,421,050, A>G on the plus strand (T>C on the coding strand, the complement: EGLN1 is on the minus strand). VCF-style: chr1-231421050-A-G. GRCh37 (hg19) VCF-style: chr1-231556796-A-G.
Other names: c.839T>C, p.Ile280Thr (NM_001377260.1, NM_001377261.1); short protein forms I280T.
Identifiers: ClinVar variation 4663407 (VCV004663407.1).